The following is an entry in ClinVar:

NM_001373.1:c.4867G>A

Gene: DNAH14 (dynein axonemal heavy chain 14; plus strand).
Variant type: single nucleotide variant.
Identifiers: ClinVar variation 4087863 (VCV004087863.1).

ClinVar aggregate classification (germline): Uncertain significance (1 of 4 stars; one submission).

Submission:

GeneDx
Classification: Uncertain significance. Last evaluated: 2025-03-23. Review status: criteria provided, single submitter. Criteria: GeneDx Variant Classification Process June 2021. Collection method: clinical testing. Allele origin: germline. Affected: yes.
Comment: In silico analysis supports that this missense variant has a deleterious effect on protein structure/function; Has not been previously published as pathogenic or benign to our knowledge